The following is an entry in ClinVar:

NM_001378454.1(ALMS1):c.5687A>G (p.Tyr1896Cys)

Gene: ALMS1 (ALMS1 centrosome and basal body associated protein; plus strand). Cytogenetic location: 2p13.1.
Variant type: single nucleotide variant.
Coding change: c.5687A>G on transcript NM_001378454.1 (MANE Select); coding-DNA position 5687, A replaced by G.
Protein change: p.Tyr1896Cys; replaces tyrosine 1896 with cysteine.
Molecular consequence: missense variant.
Genome position (GRCh38, 1-based): chr2:73,452,214, A>G. VCF-style: chr2-73452214-A-G. GRCh37 (hg19) VCF-style: chr2-73679341-A-G.
Other names: c.5690A>G, p.Tyr1897Cys (NM_015120.4); short protein forms Y1897C, Y1896C.
Identifiers: ClinVar variation 2156888 (VCV002156888.4), dbSNP rs1431820169, ClinGen allele CA347282973.

ClinVar aggregate classification (germline): Uncertain significance. Review status: criteria provided, multiple submitters, no conflicts (2 of 4 stars). 2 submissions from 2 submitters: Uncertain significance (2). Last evaluated 2024-04-16.

Conditions:
Cardiovascular phenotype. Identifiers: MedGen CN230736.
Alstrom syndrome (ALMS). Identifiers: Orphanet 64, MedGen C0268425, MONDO:0008763, OMIM 203800.

Allele frequency attached by ClinVar (database versions not stated): gnomAD exomes below 0.00001; TOPMed below 0.00001; gnomAD 0.00001.

Submissions (2):

Ambry Genetics
Classification: Uncertain significance for Cardiovascular phenotype. Last evaluated: 2024-04-16. Review status: criteria provided, single submitter. Criteria: Ambry Variant Classification Scheme 2023. Collection method: clinical testing. Allele origin: germline.
Comment: The p.Y1897C variant (also known as c.5690A>G), located in coding exon 8 of the ALMS1 gene, results from an A to G substitution at nucleotide position 5690. The tyrosine at codon 1897 is replaced by cysteine, an amino acid with highly dissimilar properties. This amino acid position is well conserved in available vertebrate species. In addition, this alteration is predicted to be tolerated by in silico analysis. Based on the available evidence, the clinical significance of this variant remains unclear.

Labcorp Genetics (formerly Invitae), Labcorp
Classification: Uncertain significance for Alstrom syndrome. Last evaluated: 2024-04-08. Review status: criteria provided, single submitter. Criteria: Invitae Variant Classification Sherloc (09022015). Collection method: clinical testing. Allele origin: germline.
Comment: This sequence change replaces tyrosine, which is neutral and polar, with cysteine, which is neutral and slightly polar, at codon 1897 of the ALMS1 protein (p.Tyr1897Cys). This variant is not present in population databases (gnomAD no frequency). This variant has not been reported in the literature in individuals affected with ALMS1-related conditions. ClinVar contains an entry for this variant (Variation ID: 2156888). Experimental studies and prediction algorithms are not available or were not evaluated, and the functional significance of this variant is currently unknown. In summary, the available evidence is currently insufficient to determine the role of this variant in disease. Therefore, it has been classified as a Variant of Uncertain Significance.